The following is an entry in ClinVar:

NM_001371623.1(TCOF1):c.1243G>A (p.Glu415Lys)

Gene: TCOF1 (treacle ribosome biogenesis factor 1; plus strand). Cytogenetic location: 5q32.
Variant type: single nucleotide variant.
Coding change: c.1243G>A on transcript NM_001371623.1 (MANE Select); coding-DNA position 1243, G replaced by A.
Protein change: p.Glu415Lys; replaces glutamic acid 415 with lysine.
Molecular consequence: missense variant.
Genome position (GRCh38, 1-based): chr5:150,374,776, G>A. VCF-style: chr5-150374776-G-A. GRCh37 (hg19) VCF-style: chr5-149754339-G-A.
Other names: c.1012G>A, p.Glu338Lys (NM_000356.4, NM_001135245.2); c.1243G>A, p.Glu415Lys (NM_001008657.3, NM_001135243.2, NM_001135244.2 and 1 more transcripts); short protein forms E338K, E415K.
Identifiers: ClinVar variation 2437025 (VCV002437025.6), dbSNP rs760076793, ClinGen allele CA3510799.
Genomic context (GRCh38, chr5:150,374,776, plus strand): 5'-GGGCCTGCAGTTGCCAAGGCCCAGGCGGGGAAGCGGGAGGAGGACTCGCAGAGCAGCAGC[G>A]AGGAATCGGACAGTGAGGAGGAGGCGCCTGCTCAGGTGAGGCAGAGGGGAGGGGTGGAGA-3'
Protein context (NP_001358552.1, residues 405-425): KREEDSQSSS[Glu415Lys]ESDSEEEAPA

ClinVar aggregate classification (germline): Uncertain significance. Review status: criteria provided, multiple submitters, no conflicts (2 of 4 stars). 4 submissions from 4 submitters: Uncertain significance (4). Last evaluated 2025-08-24.

Conditions:
Treacher Collins syndrome 1 (TCS1). Also called: TCOF1-Related Treacher Collins Syndrome. Identifiers: Orphanet 861, MedGen CN315775, MONDO:0007944, OMIM 154500.
Inborn genetic diseases. Identifiers: MedGen C0950123, MeSH D030342.

Allele frequency attached by ClinVar (database versions not stated): gnomAD exomes 0.00001; gnomAD 0.00002; ExAC 0.00004.

Submissions (4):

Labcorp Genetics (formerly Invitae), Labcorp
Classification: Uncertain significance for Treacher Collins syndrome 1. Last evaluated: 2025-08-24. Review status: criteria provided, single submitter. Criteria: Invitae Variant Classification Sherloc (09022015). Collection method: clinical testing. Allele origin: germline.
Comment: This sequence change replaces glutamic acid, which is acidic and polar, with lysine, which is basic and polar, at codon 415 of the TCOF1 protein (p.Glu415Lys). This variant is present in population databases (rs760076793, gnomAD 0.02%). This missense change has been observed in individual(s) with TCOF1-related conditions (PMID: 33057194, 35982159). ClinVar contains an entry for this variant (Variation ID: 2437025). Invitae Evidence Modeling of protein sequence and biophysical properties (such as structural, functional, and spatial information, amino acid conservation, physicochemical variation, residue mobility, and thermodynamic stability) indicates that this missense variant is not expected to disrupt TCOF1 protein function with a negative predictive value of 80%. In summary, the available evidence is currently insufficient to determine the role of this variant in disease. Therefore, it has been classified as a Variant of Uncertain Significance.

GeneDx
Classification: Uncertain significance. Last evaluated: 2025-01-15. Review status: criteria provided, single submitter. Criteria: GeneDx Variant Classification Process June 2021. Collection method: clinical testing. Allele origin: germline. Affected: yes.
Comment: In silico analysis supports that this missense variant has a deleterious effect on protein structure/function; Has not been previously published as pathogenic or benign in association with Treacher Collins syndrome to our knowledge; This variant is associated with the following publications: (PMID: 35982159, 33057194)

Ambry Genetics
Classification: Uncertain significance for Inborn genetic diseases. Last evaluated: 2024-03-16. Review status: criteria provided, single submitter. Criteria: Ambry Variant Classification Scheme 2023. Collection method: clinical testing. Allele origin: germline.

Revvity Omics, Revvity
Classification: Uncertain significance for Treacher Collins syndrome 1. Last evaluated: 2021-05-04. Review status: criteria provided, single submitter. Criteria: ACMG Guidelines, 2015. Collection method: clinical testing. Allele origin: germline.

Literature cited by the submitters: PubMed 33057194 (cited by Labcorp Genetics (formerly Invitae), Labcorp); PubMed 35982159 (cited by Labcorp Genetics (formerly Invitae), Labcorp).